The following is an entry in ClinVar:

NM_201596.3(CACNB2):c.1756C>G (p.Arg586Gly)

Gene: CACNB2 (calcium voltage-gated channel auxiliary subunit beta 2; plus strand). Cytogenetic location: 10p12.31.
Variant type: single nucleotide variant.
Coding change: c.1756C>G on transcript NM_201596.3 (MANE Select); coding-DNA position 1756, C replaced by G.
Protein change: p.Arg586Gly; replaces arginine 586 with glycine.
Molecular consequence: missense variant.
Genome position (GRCh38, 1-based): chr10:18,539,497, C>G. VCF-style: chr10-18539497-C-G. GRCh37 (hg19) VCF-style: chr10-18828426-C-G.
Other names: c.1591C>G, p.Arg531Gly (NM_000724.4); c.1558C>G, p.Arg520Gly (NM_001167945.2); c.1477C>G, p.Arg493Gly (NM_001330060.2); c.1498C>G, p.Arg500Gly (NM_001410882.1); c.1612C>G, p.Arg538Gly (NM_201570.3); c.1672C>G, p.Arg558Gly (NM_201571.4); c.1600C>G, p.Arg534Gly (NM_201572.4); c.1594C>G, p.Arg532Gly (NM_201590.3); and 2 more; short protein forms R538G, R548G, R558G, R520G, R532G, R562G, R493G, R500G.
Identifiers: ClinVar variation 3994597 (VCV003994597.1).
Genomic context (GRCh38, chr10:18,539,497, plus strand): 5'-GCCTACGTAGAGCCAAAGGAAGATTATTCCCATGACCACGTGGACCACTATGCCTCACAC[C>G]GTGACCACAACCACAGAGACGAGACCCACGGGAGCAGTGACCACAGACACAGGGAGTCCC-3'
Protein context (NP_963890.2, residues 576-596): HDHVDHYASH[Arg586Gly]DHNHRDETHG

ClinVar aggregate classification (germline): Uncertain significance (1 of 4 stars; one submission).

Conditions:
Cardiovascular phenotype. Identifiers: MedGen CN230736.

gnomAD v4.1: 11 of 1,613,850 alleles (0.00068%); highest among the groups gnomAD compares: Middle Eastern, 0.016%; no homozygotes.

Submission:

Ambry Genetics
Classification: Uncertain significance for Cardiovascular phenotype. Last evaluated: 2025-04-07. Review status: criteria provided, single submitter. Criteria: Ambry Variant Classification Scheme 2023. Collection method: clinical testing. Allele origin: germline.
Comment: The p.R532G variant (also known as c.1594C>G), located in coding exon 13 of the CACNB2 gene, results from a C to G substitution at nucleotide position 1594. The arginine at codon 532 is replaced by glycine, an amino acid with dissimilar properties. This amino acid position is conserved. In addition, the in silico prediction for this alteration is inconclusive. Based on the available evidence, the clinical significance of this variant remains unclear.